The following is an entry in ClinVar:

NM_006734.4(HIVEP2):c.4634C>T (p.Ser1545Phe)

Gene: HIVEP2 (HIVEP zinc finger 2; minus strand). Cytogenetic location: 6q24.2.
Variant type: single nucleotide variant.
Coding change: c.4634C>T on transcript NM_006734.4 (MANE Select); coding-DNA position 4634, C replaced by T.
Protein change: p.Ser1545Phe; replaces serine 1545 with phenylalanine.
Molecular consequence: missense variant.
Genome position (GRCh38, 1-based): chr6:142,770,105, G>A on the plus strand (C>T on the coding strand, the complement: HIVEP2 is on the minus strand). VCF-style: chr6-142770105-G-A. GRCh37 (hg19) VCF-style: chr6-143091242-G-A.
Other names: short protein forms S1545F.
Identifiers: ClinVar variation 1708016 (VCV001708016.2), dbSNP rs2482820958, ClinGen allele CA365898968.

ClinVar aggregate classification (germline): Uncertain significance (1 of 4 stars; one submission).

Submission:

GeneDx
Classification: Uncertain significance. Last evaluated: 2022-03-29. Review status: criteria provided, single submitter. Criteria: GeneDx Variant Classification Process June 2021. Collection method: clinical testing. Allele origin: germline. Affected: yes.
Comment: Not observed at significant frequency in large population cohorts (gnomAD); In silico analysis supports that this missense variant does not alter protein structure/function; Has not been previously published as pathogenic or benign to our knowledge